The following is an entry in ClinVar:

NM_003482.4(KMT2D):c.6779G>A (p.Ser2260Asn)

Gene: KMT2D (lysine methyltransferase 2D; minus strand). Cytogenetic location: 12q13.12.
Variant type: single nucleotide variant.
Coding change: c.6779G>A on transcript NM_003482.4 (MANE Select); coding-DNA position 6779, G replaced by A.
Protein change: p.Ser2260Asn; replaces serine 2260 with asparagine.
Molecular consequence: missense variant.
Genome position (GRCh38, 1-based): chr12:49,040,991, C>T on the plus strand (G>A on the coding strand, the complement: KMT2D is on the minus strand). VCF-style: chr12-49040991-C-T. GRCh37 (hg19) VCF-style: chr12-49434774-C-T.
Other names: short protein forms S2260N.
Identifiers: ClinVar variation 1312173 (VCV001312173.5), dbSNP rs746355138, ClinGen allele CA384749709.
Genomic context (GRCh38, chr12:49,040,991, plus strand): 5'-TCCCCAAAAGGTGGGGGCGAGAGCAGGGGCTCGGAAGCTTTGCCTCCCCCTACCCCAGGG[C>T]TCTCAGGCACAGCCAAGTTATCCAGCGAGGGGCAGCGGGGTTTGAGGAATGGGTCAGGTG-3'
Protein context (NP_003473.3, residues 2250-2270): PSLDNLAVPE[Ser2260Asn]PGVGGGKASE

ClinVar aggregate classification (germline): Conflicting classifications of pathogenicity. Review status: criteria provided, conflicting classifications (1 of 4 stars). 3 submissions from 3 submitters: Uncertain significance (1); Benign (1); Likely benign (1). Last evaluated 2025-07-14.

Conditions:
Kabuki syndrome. Also called: NIIKAWA-KUROKI SYNDROME; Kabuki make-up syndrome. Identifiers: Orphanet 2322, MedGen C0796004, MONDO:0016512.
Inborn genetic diseases. Identifiers: MedGen C0950123, MeSH D030342.

gnomAD v4.1: 2 of 1,600,962 alleles (0.00012%); highest among the groups gnomAD compares: East Asian, 0.0022%; no homozygotes.

Submissions (3):

Labcorp Genetics (formerly Invitae), Labcorp
Classification: Benign for Kabuki syndrome. Last evaluated: 2025-07-14. Review status: criteria provided, single submitter. Criteria: Invitae Variant Classification Sherloc (09022015). Collection method: clinical testing. Allele origin: germline.

Ambry Genetics
Classification: Likely benign for Inborn genetic diseases. Last evaluated: 2022-08-17. Review status: criteria provided, single submitter. Criteria: Ambry Variant Classification Scheme 2023. Collection method: clinical testing. Allele origin: germline.

GeneDx
Classification: Uncertain significance. Last evaluated: 2019-09-13. Review status: criteria provided, single submitter. Criteria: GeneDx Variant Classification Process June 2021. Collection method: clinical testing. Allele origin: germline. Affected: yes.
Comment: In silico analysis, which includes protein predictors and evolutionary conservation, supports that this variant does not alter protein structure/function; Has not been previously published as pathogenic or benign to our knowledge